The following is an entry in ClinVar:

NM_006623.4(PHGDH):c.326T>C (p.Leu109Pro)

Gene: PHGDH (phosphoglycerate dehydrogenase; plus strand). Cytogenetic location: 1p12.
Variant type: single nucleotide variant.
Coding change: c.326T>C on transcript NM_006623.4 (MANE Select); coding-DNA position 326, T replaced by C.
Protein change: p.Leu109Pro; replaces leucine 109 with proline.
Molecular consequence: missense variant.
Genome position (GRCh38, 1-based): chr1:119,723,411, T>C. VCF-style: chr1-119723411-T-C. GRCh37 (hg19) VCF-style: chr1-120266034-T-C.
Other names: short protein forms L109P.
Identifiers: ClinVar variation 5006759 (VCV005006759.2).
Genomic context (GRCh38, chr1:119,723,411, plus strand): 5'-TGTCCCCCTTTTCTTTGATCTTTAGCACCCCCAATGGGAACAGCCTCAGTGCCGCAGAAC[T>C]CACTTGTGGAATGATCATGTGCCTGGCCAGGTAAGTCCCTGACTTCTCAGCAAAGCTAGT-3'
Protein context (NP_006614.2, residues 99-119): PNGNSLSAAE[Leu109Pro]TCGMIMCLAR

ClinVar aggregate classification (germline): Uncertain significance (1 of 4 stars; one submission).

Conditions:
Neu-Laxova syndrome 1 (NLS1). Identifiers: Orphanet 2671, Orphanet 583607, MedGen C4551478, MONDO:0009736, OMIM 256520. Disease mechanism: loss of function.
PHGDH deficiency. Identifiers: Orphanet 79351, MedGen C1866174, MONDO:0011152, OMIM 601815.

Submission:

Juno Genomics, Hangzhou Juno Genomics, Inc
Classification: Uncertain significance for Neu-Laxova syndrome 1; PHGDH deficiency. Review status: criteria provided, single submitter. Criteria: ACMG Guidelines, 2015. Collection method: clinical testing. Allele origin: germline.
Comment: Absent from controls (or at extremely low frequency if recessive) in Genome Aggregation Database.;Multiple lines of computational evidence support a deleterious effect on the gene or gene product.